The following is an entry in ClinVar:

ClinVar aggregate classification (germline): Benign. Review status: criteria provided, multiple submitters, no conflicts (2 of 4 stars). 3 submissions from 3 submitters: Benign (3). Last evaluated 2026-01-27.

Conditions:
Brugada syndrome. Also called: Sudden unexplained nocturnal death syndrome; Sudden unexpected nocturnal death syndrome; Sudden Unexplained Death Syndrome; Sudden Unexplained Nocturnal Death Syndrome (SUNDS). Identifiers: Orphanet 130, MedGen C1142166, MONDO:0015263.

Allele frequency attached by ClinVar (database versions not stated): gnomAD exomes 0.00052 and 0.00127; ExAC 0.00155; gnomAD 0.00432 and 0.00446; ESP Exome Variant Server 0.00461; TOPMed 0.00484; 1000 Genomes Project 0.00519; 1000 Genomes Project 30x 0.00531.
gnomAD v4.1: 1,429 of 1,583,264 alleles (0.09%); highest among the groups gnomAD compares: African/African-American, 1.3%; 17 homozygotes.

Submissions (3):

Labcorp Genetics (formerly Invitae), Labcorp
Classification: Benign for Brugada syndrome. Last evaluated: 2026-01-27. Review status: criteria provided, single submitter. Criteria: Invitae Variant Classification Sherloc (09022015). Collection method: clinical testing. Allele origin: germline.

Women's Health and Genetics/Laboratory Corporation of America, LabCorp
Classification: Benign. Last evaluated: 2025-11-14. Review status: criteria provided, single submitter. Criteria: LabCorp Variant Classification Summary - May 2015. Collection method: clinical testing. Allele origin: germline.

GeneDx
Classification: Benign. Last evaluated: 2017-04-06. Review status: criteria provided, single submitter. Criteria: GeneDx Variant Classification (06012015). Collection method: clinical testing. Allele origin: germline. Affected: yes.
Comment: This variant is considered likely benign or benign based on one or more of the following criteria: it is a conservative change, it occurs at a poorly conserved position in the protein, it is predicted to be benign by multiple in silico algorithms, and/or has population frequency not consistent with disease.

NM_006514.4(SCN10A):c.4657+16C>T

Gene: SCN10A (sodium voltage-gated channel alpha subunit 10; minus strand). Cytogenetic location: 3p22.2.
Variant type: single nucleotide variant.
Coding change: c.4657+16C>T on transcript NM_006514.4 (MANE Select); 16 bases into the intron after coding-DNA position 4657, C replaced by T.
Molecular consequence: intron variant.
Genome position (GRCh38, 1-based): chr3:38,701,823, G>A on the plus strand (C>T on the coding strand, the complement: SCN10A is on the minus strand). VCF-style: chr3-38701823-G-A. GRCh37 (hg19) VCF-style: chr3-38743314-G-A.
Other names: c.4363+16C>T (NM_001293307.2); c.4654+16C>T (NM_001293306.2).
Identifiers: ClinVar variation 516894 (VCV000516894.10), dbSNP rs115824540, ClinGen allele CA2319855.